The following is an entry in ClinVar:

NM_003742.4(ABCB11):c.2011+1G>T

Gene: ABCB11 (ATP binding cassette subfamily B member 11; minus strand). Cytogenetic location: 2q31.1.
Variant type: single nucleotide variant.
Coding change: c.2011+1G>T on transcript NM_003742.4 (MANE Select); the canonical splice donor site of the intron after coding-DNA position 2011, G replaced by T.
Molecular consequence: splice donor variant.
Genome position (GRCh38, 1-based): chr2:168,969,349, C>A on the plus strand (G>T on the coding strand, the complement: ABCB11 is on the minus strand). VCF-style: chr2-168969349-C-A. GRCh37 (hg19) VCF-style: chr2-169825859-C-A.
Identifiers: ClinVar variation 2680921 (VCV002680921.5), dbSNP rs376632574, ClinGen allele CA1951411.
Genomic context (GRCh38, chr2:168,969,349, plus strand): 5'-TAAAGCACTATAGACATTAACTATTTAATATAACATACAAGTATAGGGAAAAAGCACTTG[C>A]CCTTTATGTCCTCTTCATTAAGAGCTTGATTTCCCTGGCTTTGCAAAGTCACTAGAGTGA-3'

ClinVar aggregate classification (germline): Likely pathogenic. Review status: criteria provided, multiple submitters, no conflicts (2 of 4 stars). 3 submissions from 3 submitters: Likely pathogenic (3). Last evaluated 2024-12-30.

Conditions:
Benign recurrent intrahepatic cholestasis type 2 (BRIC2). Also called: Recurrent familial intrahepatic cholestasis 2. Identifiers: Orphanet 65682, Orphanet 99961, MedGen C2608083, MONDO:0011559, OMIM 605479.
Progressive familial intrahepatic cholestasis type 2. Identifiers: Orphanet 79304, MedGen C3489789, MONDO:0011156, OMIM 601847.

Allele frequency attached by ClinVar (database versions not stated): ExAC 0.00001; ESP Exome Variant Server 0.00008.

Submissions (3):

Natera, Inc.
Classification: Likely pathogenic for Progressive familial intrahepatic cholestasis type 2. Last evaluated: 2024-12-30. Review status: criteria provided, single submitter. Criteria: Natera Variant Classification Schema (03/2026). Collection method: clinical testing. Allele origin: germline.
Comment: The c.2011+1G>T variant in ABCB11 is a canonical splice donor site variant predicted to affect pre-mRNA splicing, which may result in an abnormal transcript and altered protein product. This variant is expected to result in nonsense mediated decay, truncation, or a dysfunctional protein product. This variant is rare in the general population with a frequency below the threshold expected for the associated phenotype(s). Given the available evidence, this variant is classified as Likely Pathogenic.

Labcorp Genetics (formerly Invitae), Labcorp
Classification: Likely pathogenic. Last evaluated: 2023-01-10. Review status: criteria provided, single submitter. Criteria: Invitae Variant Classification Sherloc (09022015). Collection method: clinical testing. Allele origin: germline.
Comment: This sequence change affects a donor splice site in intron 16 of the ABCB11 gene. It is expected to disrupt RNA splicing. Variants that disrupt the donor or acceptor splice site typically lead to a loss of protein function (PMID: 16199547), and loss-of-function variants in ABCB11 are known to be pathogenic (PMID: 18395098, 20232290). This variant is present in population databases (rs376632574, gnomAD 0.007%). This variant has not been reported in the literature in individuals affected with ABCB11-related conditions. Algorithms developed to predict the effect of sequence changes on RNA splicing suggest that this variant may disrupt the consensus splice site. In summary, the currently available evidence indicates that the variant is pathogenic, but additional data are needed to prove that conclusively. Therefore, this variant has been classified as Likely Pathogenic.

Baylor Genetics
Classification: Likely pathogenic for Benign recurrent intrahepatic cholestasis type 2. Last evaluated: 2023-01-02. Review status: criteria provided, single submitter. Criteria: ACMG Guidelines, 2015. Collection method: clinical testing. Allele origin: unknown.

Literature cited by the submitters: PubMed 16199547 (cited by Labcorp Genetics (formerly Invitae), Labcorp); PubMed 18395098 (cited by Labcorp Genetics (formerly Invitae), Labcorp); PubMed 20232290 (cited by Labcorp Genetics (formerly Invitae), Labcorp).